The following is an entry in ClinVar:

ClinVar aggregate classification (germline): Benign (1 of 4 stars; one submission).

Allele frequency attached by ClinVar (database versions not stated): gnomAD 0.49015 and 0.49020; TOPMed 0.50671; 1000 Genomes Project 0.53994; 1000 Genomes Project 30x 0.53998.
gnomAD v4.1: 74,609 of 152,130 alleles (49%); highest among the groups gnomAD compares: African/African-American, 64%; 19,123 homozygotes.

Submission:

GeneDx
Classification: Benign. Last evaluated: 2018-06-19. Review status: criteria provided, single submitter. Criteria: GeneDx Variant Classification (06012015). Collection method: clinical testing. Allele origin: germline. Affected: yes.
Comment: This variant is considered likely benign or benign based on one or more of the following criteria: it is a conservative change, it occurs at a poorly conserved position in the protein, it is predicted to be benign by multiple in silico algorithms, and/or has population frequency not consistent with disease.

NM_172250.3(MMAA):c.820-169T>C

Gene: MMAA (metabolism of cobalamin associated A; plus strand). Cytogenetic location: 4q31.21.
Variant type: single nucleotide variant.
Coding change: c.820-169T>C on transcript NM_172250.3 (MANE Select); 169 bases into the intron before coding-DNA position 820, T replaced by C.
Molecular consequence: intron variant.
Genome position (GRCh38, 1-based): chr4:145,653,825, T>C. VCF-style: chr4-145653825-T-C. GRCh37 (hg19) VCF-style: chr4-146574977-T-C.
Identifiers: ClinVar variation 667502 (VCV000667502.1), dbSNP rs2279717, ClinGen allele CA15319695.